The following is an entry in ClinVar:

NM_015599.3(PGM3):c.398_413del (p.Ser133fs)

Gene: PGM3 (phosphoglucomutase 3; minus strand). Cytogenetic location: 6q14.1.
Variant type: Deletion.
Coding change: c.398_413del on transcript NM_015599.3 (MANE Select); coding-DNA positions 398 to 413, 16 bases deleted (GTGAGAAACTTTCACA).
Protein change: p.Ser133fs; shifts the reading frame from serine 133.
Molecular consequence: frameshift variant. On other transcripts: non-coding transcript variant (1).
Genome position (GRCh38, 1-based): chr6:83,187,052-83,187,067, TGTGAAAGTTTCTCAC deleted on the plus strand (GTGAGAAACTTTCACA on the coding strand, the reverse complement: PGM3 is on the minus strand); deleting any 16 consecutive bases within chr6:83,187,052-83,187,069 gives the same sequence; the c. name uses the placement nearest the transcript's 3' end. VCF-style (leftmost placement, unchanged base first): chr6-83187051-TTGTGAAAGTTTCTCAC-T. GRCh37 (hg19) VCF-style: chr6-83896770-TTGTGAAAGTTTCTCAC-T.
Other names: c.482_497del, p.Ser161fs (NM_001199917.2, NM_001367287.1); c.155_170del, p.Ser52fs (NM_001199918.2); c.398_413del, p.Ser133fs (NM_001199919.2, NM_001367286.1); c.482_497del (NM_001199917.1); c.482_497del16 (NM_001199917.1); short protein forms S52fs, S133fs, S161fs.
Identifiers: ClinVar variation 504123 (VCV000504123.11), dbSNP rs1404084330, ClinGen allele CA658796793.

ClinVar aggregate classification (germline): Pathogenic. Review status: criteria provided, multiple submitters, no conflicts (2 of 4 stars). 3 submissions from 3 submitters: Pathogenic (2). 1 of the submissions does not count toward it. Last evaluated 2025-12-01.

Conditions:
Immunodeficiency 23 (IMD23). Also called: IMMUNODEFICIENCY WITH HYPER IgE AND COGNITIVE IMPAIRMENT; IMMUNODEFICIENCY-VASCULITIS-MYOCLONUS SYNDROME. Identifiers: Orphanet 443811, MedGen C4014371, MONDO:0014353, OMIM 615816.
PGM3-related disorder. Also called: PGM3-related condition.

Submissions (3):

Labcorp Genetics (formerly Invitae), Labcorp
Classification: Pathogenic for Immunodeficiency 23. Last evaluated: 2025-12-01. Review status: criteria provided, single submitter. Criteria: Invitae Variant Classification Sherloc (09022015). Collection method: clinical testing. Allele origin: germline.
Comment: This sequence change creates a premature translational stop signal (p.Ser161Asnfs*3) in the PGM3 gene. It is expected to result in an absent or disrupted protein product. Loss-of-function variants in PGM3 are known to be pathogenic (PMID: 17548465, 24589341, 24931394). This variant is not present in population databases (gnomAD no frequency). This variant has not been reported in the literature in individuals affected with PGM3-related conditions. ClinVar contains an entry for this variant (Variation ID: 504123). For these reasons, this variant has been classified as Pathogenic.

GeneDx
Classification: Pathogenic. Last evaluated: 2024-10-03. Review status: criteria provided, single submitter. Criteria: GeneDx Variant Classification Process June 2021. Collection method: clinical testing. Allele origin: germline. Affected: yes.
Comment: Frameshift variant predicted to result in protein truncation or nonsense mediated decay in a gene for which loss of function is a known mechanism of disease; Not observed at significant frequency in large population cohorts (gnomAD); Has not been previously published as pathogenic or benign to our knowledge

PreventionGenetics, part of Exact Sciences
Classification: Likely pathogenic for PGM3-related condition. Last evaluated: 2024-02-29. Review status: no assertion criteria provided. Collection method: clinical testing. Allele origin: germline. Not counted in ClinVar's aggregate classification.
Comment: The PGM3 c.482_497del16 variant is predicted to result in a frameshift and premature protein termination (p.Ser161Asnfs*3). To our knowledge, this variant has not been reported in the literature or in a large population database, indicating this variant is rare. Frameshift variants in PGM3 are expected to be pathogenic. This variant is interpreted as likely pathogenic.

Literature cited by the submitters: PubMed 17548465 (cited by Labcorp Genetics (formerly Invitae), Labcorp); PubMed 24589341 (cited by Labcorp Genetics (formerly Invitae), Labcorp); PubMed 24931394 (cited by Labcorp Genetics (formerly Invitae), Labcorp).